The following is an entry in ClinVar:

ClinVar aggregate classification (germline): Likely benign. Review status: criteria provided, single submitter (1 of 4 stars). 2 submissions from 2 submitters: Likely benign (1). 1 of the submissions does not count toward it. Last evaluated 2021-08-05.

Conditions:
IFT172-related disorder. Also called: IFT172-related condition; IFT172-related disorders.

gnomAD v4.1: 3 of 1,613,818 alleles (0.00019%); highest among the groups gnomAD compares: Non-Finnish European, 0.00025%; no homozygotes.

Submissions (2):

Blueprint Genetics
Classification: Likely benign. Last evaluated: 2021-08-05. Review status: criteria provided, single submitter. Criteria: ACMG Guidelines, 2015. Collection method: clinical testing. Allele origin: germline.

PreventionGenetics, part of Exact Sciences
Classification: Likely benign for IFT172-related condition. Last evaluated: 2024-09-07. Review status: no assertion criteria provided. Collection method: clinical testing. Allele origin: germline. Not counted in ClinVar's aggregate classification.
Comment: This variant is classified as likely benign based on ACMG/AMP sequence variant interpretation guidelines (Richards et al. 2015 PMID: 25741868, with internal and published modifications).

NM_015662.3(IFT172):c.4660-9T>C

Genes: IFT172 (intraflagellar transport 172; minus strand), KRTCAP3 (keratinocyte associated protein 3; plus strand). Cytogenetic location: 2p23.3.
Variant type: single nucleotide variant.
Coding change: c.4660-9T>C on transcript NM_015662.3 (MANE Select); 9 bases into the intron before coding-DNA position 4660, T replaced by C.
Molecular consequence: intron variant. On other transcripts: 3 prime UTR variant (1).
Genome position (GRCh38, 1-based): chr2:27,446,364, A>G on the plus strand (T>C on the coding strand, the complement: IFT172 is on the minus strand). VCF-style: chr2-27446364-A-G. GRCh37 (hg19) VCF-style: chr2-27669231-A-G.
Other names: c.*69A>G (NM_001168364.2); c.4594-9T>C (NM_001410739.1).
Identifiers: ClinVar variation 3355866 (VCV003355866.2).